The following is an entry in ClinVar:

ClinVar aggregate classification (germline): Uncertain significance (1 of 4 stars; one submission).

gnomAD v4.1: 1 of 1,194,697 alleles (0.000084%); highest among the groups gnomAD compares: Admixed American, 0.0022%; no homozygotes.

Submission:

GeneDx
Classification: Uncertain significance. Last evaluated: 2024-12-03. Review status: criteria provided, single submitter. Criteria: GeneDx Variant Classification Process June 2021. Collection method: clinical testing. Allele origin: germline. Affected: yes.
Comment: Not observed at significant frequency in large population cohorts (gnomAD); In silico analysis supports that this missense variant has a deleterious effect on protein structure/function; Has not been previously published as pathogenic or benign to our knowledge

NM_144658.4(DOCK11):c.4667A>G (p.Asn1556Ser)

Gene: DOCK11 (dedicator of cytokinesis 11; plus strand). Cytogenetic location: Xq24.
Variant type: single nucleotide variant.
Coding change: c.4667A>G on transcript NM_144658.4 (MANE Select); coding-DNA position 4667, A replaced by G.
Protein change: p.Asn1556Ser; replaces asparagine 1556 with serine.
Molecular consequence: missense variant.
Genome position (GRCh38, 1-based): chrX:118,652,049, A>G. VCF-style: chrX-118652049-A-G. GRCh37 (hg19) VCF-style: chrX-117786012-A-G.
Other names: short protein forms N1556S.
Identifiers: ClinVar variation 3901303 (VCV003901303.1).
Genomic context (GRCh38, chrX:118,652,049, plus strand): 5'-TAGCTGATGTAGCACTAAGCGGAGGATCAAGATTTCAGGAGTCTTTATTCATTATCAATA[A>G]TTTTGCAAATAGTGACAGACCTATGAAGGTATGTTCTCATTTCAGATAATAAATTAGAAC-3'
Protein context (NP_653259.3, residues 1546-1566): RFQESLFIIN[Asn1556Ser]FANSDRPMKA